The following is an entry in ClinVar:

ClinVar aggregate classification (germline): Pathogenic (1 of 4 stars; one submission).

Conditions:
ZNF462-related disorder. Also called: ZNF462-related condition; ZNF462 related disease.

Submission:

Medical Genetics Lab, Xi'an People's Hospital(Xi'an Fourth Hospital)
Classification: Pathogenic for ZNF462 related disease. Last evaluated: 2024-12-02. Review status: criteria provided, single submitter. Criteria: ACMG/ClinGen CNV Guidelines, 2019. Collection method: clinical testing. Allele origin: germline. Inheritance: Autosomal dominant inheritance. Affected: yes.
Comment: The deletion in the 9q31.1q32 measures roughly 9.24Mb. Within this deletion are 34 OMIM protein-coding genes, prominently including ZNF462. According to the ClinGen database, the ZNF462 gene displays a haploinsufficiency trait, suggesting a predisposition to Weiss-Kruszka syndrome. No definitive evidence of haploinsufficiency was discerned for other encompassed genes. Guided by ACMG criteria, this deletion is classified as a Pathogenic CNV.

GRCh37/hg19 9q31.1-32(chr9:106443221-115687164)x1

Genes: ACTL7B (actin like 7B; minus strand), ABCA1 (ATP binding cassette subfamily A member 1; minus strand), ABITRAM (actin binding transcription modulator; plus strand), ACTL7A (actin like 7A; plus strand), C9orf152 (chromosome 9 open reading frame 152; minus strand) and 49 more. Cytogenetic location: 9q31.1-32.
Variant type: copy number loss.
Change: copy number 1 (one copy instead of two) of chr9:106,443,221-115,687,164 (9.24 Mb, GRCh37 coordinates, 1-based), cytogenetic band 9q31.1-32.
Identifiers: ClinVar variation 3393044 (VCV003393044.1).